The following is an entry in ClinVar:

NM_001148.6(ANK2):c.1189-5C>T

Gene: ANK2 (ankyrin 2; plus strand). Cytogenetic location: 4q26.
Variant type: single nucleotide variant.
Coding change: c.1189-5C>T on transcript NM_001148.6 (MANE Select); 5 bases into the intron before coding-DNA position 1189, C replaced by T.
Molecular consequence: intron variant.
Genome position (GRCh38, 1-based): chr4:113,258,045, C>T. VCF-style: chr4-113258045-C-T. GRCh37 (hg19) VCF-style: chr4-114179201-C-T.
Other names: c.1177-5C>T (NM_001386186.2, NM_001386148.2); c.1176+2113C>T (NM_001354269.3); c.1153-5C>T (NM_001386187.2); c.1147-5C>T (NM_001386147.1, NM_001386160.1, NM_001354261.2); c.1126-5C>T (NM_001354254.2, NM_001354239.2, NM_001354252.2 and 14 more transcripts); c.1102-5C>T (NM_001354249.2, NM_001354266.2, NM_001354276.2 and 13 more transcripts); c.1101+2113C>T (NM_001386157.1, NM_001354277.2, NM_001386158.1); c.1234-5C>T (NM_001354241.2, NM_001386152.1, NM_001354237.2 and 5 more transcripts); and 4 more.
Identifiers: ClinVar variation 234488 (VCV000234488.13), dbSNP rs779990637, ClinGen allele CA3050219.

ClinVar aggregate classification (germline): Conflicting classifications of pathogenicity. Review status: criteria provided, conflicting classifications (1 of 4 stars). 4 submissions from 4 submitters: Uncertain significance (1); Likely benign (3). Last evaluated 2026-01-19.

Conditions:
Cardiovascular phenotype. Identifiers: MedGen CN230736.
Long QT syndrome (LQTS). Identifiers: MedGen C0023976, MeSH D008133, MONDO:0002442. Disease mechanism: loss of function. Inheritance: Various modes of inheritance.

Allele frequency attached by ClinVar (database versions not stated): TOPMed below 0.00001; gnomAD 0.00001; ExAC 0.00002; gnomAD exomes 0.00002 and 0.00003.
gnomAD v4.1: 26 of 1,612,356 alleles (0.0016%); highest among the groups gnomAD compares: South Asian, 0.023%; no homozygotes.

Submissions (4):

Labcorp Genetics (formerly Invitae), Labcorp
Classification: Likely benign for Long QT syndrome. Last evaluated: 2026-01-19. Review status: criteria provided, single submitter. Criteria: Invitae Variant Classification Sherloc (09022015). Collection method: clinical testing. Allele origin: germline.

Ambry Genetics
Classification: Uncertain significance for Cardiovascular phenotype. Last evaluated: 2025-02-19. Review status: criteria provided, single submitter. Criteria: Ambry Variant Classification Scheme 2023. Collection method: clinical testing. Allele origin: germline.
Comment: The c.1189-5C>T intronic variant results from a C to T substitution 5 nucleotides upstream from coding exon 12 in the ANK2 gene. This nucleotide position is well conserved in available vertebrate species. In silico splice site analysis predicts that this alteration will not have any significant effect on splicing. According to data from gnomAD, the frequency for this variant is above the maximum credible frequency for a cardiac disease-causing variant in this gene based on internally established thresholds (Karczewski et al. Nature. 2020 May;581(7809):434-443; Whiffin et al. Genet Med. 2017 10;19:1151-1158). Based on the supporting evidence, the association of this alteration with ANK2-related neurodevelopmental disorder is unknown; however, the association with ANK2-related arrhythmia is unlikely.

Blueprint Genetics
Classification: Likely benign. Last evaluated: 2021-03-17. Review status: criteria provided, single submitter. Criteria: ACMG Guidelines, 2015. Collection method: clinical testing. Allele origin: germline.

GeneDx
Classification: Likely benign. Last evaluated: 2019-03-19. Review status: criteria provided, single submitter. Criteria: GeneDx Variant Classification Process June 2021. Collection method: clinical testing. Allele origin: germline. Affected: yes.